The following is an entry in ClinVar:

ClinVar aggregate classification (germline): Likely benign. Review status: criteria provided, multiple submitters, no conflicts (2 of 4 stars). 6 submissions from 6 submitters: Likely benign (6). Last evaluated 2026-01-19.

Conditions:
Cardiomyopathy (CMYO). Also called: Cardiomyopathies. Identifiers: Orphanet 167848, MedGen C0878544, MONDO:0004994, HP:0001638. Inheritance: Various modes of inheritance.
Cardiovascular phenotype. Identifiers: MedGen CN230736.
Hypertrophic cardiomyopathy. Also called: HYPERTROPHIC MYOCARDIOPATHY. Identifiers: Orphanet 217569, MedGen C0007194, MeSH D002312, MONDO:0005045, HP:0001639.

Allele frequency attached by ClinVar (database versions not stated): gnomAD exomes below 0.00001; TOPMed 0.00002; gnomAD 0.00003 and 0.00004.
gnomAD v4.1: 7 of 1,564,368 alleles (0.00045%); highest among the groups gnomAD compares: African/African-American, 0.0095%; no homozygotes.

Submissions (6):

Labcorp Genetics (formerly Invitae), Labcorp
Classification: Likely benign for Hypertrophic cardiomyopathy. Last evaluated: 2026-01-19. Review status: criteria provided, single submitter. Criteria: Invitae Variant Classification Sherloc (09022015). Collection method: clinical testing. Allele origin: germline.

ARUP Laboratories, Molecular Genetics and Genomics, ARUP Laboratories
Classification: Likely benign. Last evaluated: 2025-05-20. Review status: criteria provided, single submitter. Criteria: ARUP Molecular Germline Variant Investigation Process 2024. Collection method: clinical testing. Allele origin: germline.

Ambry Genetics
Classification: Likely benign for Cardiovascular phenotype. Last evaluated: 2023-12-10. Review status: criteria provided, single submitter. Criteria: Ambry Variant Classification Scheme 2023. Collection method: clinical testing. Allele origin: germline.

All of Us Research Program, National Institutes of Health
Classification: Likely benign for Hypertrophic cardiomyopathy. Last evaluated: 2023-06-28. Review status: criteria provided, single submitter. Criteria: ACMG Guidelines, 2015. Collection method: clinical testing. Allele origin: germline. Inheritance: Autosomal dominant inheritance. Observed: 3 variant alleles, 3 heterozygotes.
Comment: This study involves interpretation of variants in research participants for the purpose of population health screening. Participant phenotype was not available at the time of variant classification. Additional details can be found in publication PMID: 35346344, PMCID: PMC8962531

Color Diagnostics, LLC DBA Color Health
Classification: Likely benign for Cardiomyopathy. Last evaluated: 2019-07-02. Review status: criteria provided, single submitter. Criteria: ACMG Guidelines, 2015. Collection method: clinical testing. Allele origin: germline.

GeneDx
Classification: Likely benign. Last evaluated: 2016-12-05. Review status: criteria provided, single submitter. Criteria: GeneDx Variant Classification (06012015). Collection method: clinical testing. Allele origin: germline. Affected: yes.
Comment: This variant is considered likely benign or benign based on one or more of the following criteria: it is a conservative change, it occurs at a poorly conserved position in the protein, it is predicted to be benign by multiple in silico algorithms, and/or has population frequency not consistent with disease.

NM_000256.3(MYBPC3):c.2895G>A (p.Gln965=)

Gene: MYBPC3 (myosin binding protein C3; minus strand). Cytogenetic location: 11p11.2.
Variant type: single nucleotide variant.
Coding change: c.2895G>A on transcript NM_000256.3 (MANE Select); coding-DNA position 2895, G replaced by A.
Protein change: p.Gln965=; no amino-acid change (glutamine 965 retained).
Molecular consequence: synonymous variant.
Genome position (GRCh38, 1-based): chr11:47,335,052, C>T on the plus strand (G>A on the coding strand, the complement: MYBPC3 is on the minus strand). VCF-style: chr11-47335052-C-T. GRCh37 (hg19) VCF-style: chr11-47356603-C-T.
Other names: c.2895G>A, p.Gln965= (LRG_386t1).
Identifiers: ClinVar variation 391404 (VCV000391404.16), dbSNP rs1057524069, ClinGen allele CA16606316.